The following is an entry in ClinVar:

NM_002700.3(POU4F3):c.722T>G (p.Met241Arg)

Genes: POU4F3 (POU class 4 homeobox 3; plus strand), LOC127814297 (RBM27-POU4F3; plus strand). Cytogenetic location: 5q32.
Variant type: single nucleotide variant.
Coding change: c.722T>G on transcript NM_002700.3 (MANE Select); coding-DNA position 722, T replaced by G.
Protein change: p.Met241Arg; replaces methionine 241 with arginine.
Molecular consequence: missense variant. On other transcripts: 3 prime UTR variant (1).
Genome position (GRCh38, 1-based): chr5:146,340,149, T>G. VCF-style: chr5-146340149-T-G. GRCh37 (hg19) VCF-style: chr5-145719712-T-G.
Other names: c.*591T>G (NM_001414499.1); short protein forms M241R.
Identifiers: ClinVar variation 3390521 (VCV003390521.1).

ClinVar aggregate classification (germline): Uncertain significance (1 of 4 stars; one submission).

Submission:

GeneDx
Classification: Uncertain significance. Last evaluated: 2024-06-13. Review status: criteria provided, single submitter. Criteria: GeneDx Variant Classification Process June 2021. Collection method: clinical testing. Allele origin: germline. Affected: yes.
Comment: Not observed at significant frequency in large population cohorts (gnomAD); In silico analysis supports that this missense variant has a deleterious effect on protein structure/function; Has not been previously published as pathogenic or benign to our knowledge